The following is an entry in ClinVar:

NM_001308210.2(TSHZ1):c.2201T>C (p.Met734Thr)

Gene: TSHZ1 (teashirt zinc finger homeobox 1; plus strand). Cytogenetic location: 18q22.3.
Variant type: single nucleotide variant.
Coding change: c.2201T>C on transcript NM_001308210.2 (MANE Select); coding-DNA position 2201, T replaced by C.
Protein change: p.Met734Thr; replaces methionine 734 with threonine.
Molecular consequence: missense variant.
Genome position (GRCh38, 1-based): chr18:75,287,608, T>C. VCF-style: chr18-75287608-T-C. GRCh37 (hg19) VCF-style: chr18-72999563-T-C.
Other names: c.2066T>C, p.Met689Thr (NM_005786.6); short protein forms M689T, M734T.
Identifiers: ClinVar variation 3038380 (VCV003038380.2), dbSNP rs113033195, ClinGen allele CA9002231.

ClinVar aggregate classification (germline): Benign (0 of 4 stars; one submission).

Conditions:
TSHZ1-related disorder. Also called: TSHZ1-related condition.

Allele frequency attached by ClinVar (database versions not stated): gnomAD exomes 0.00438; ExAC 0.00473; gnomAD 0.01283 and 0.01417; 1000 Genomes Project 0.01438; ESP Exome Variant Server 0.01445; TOPMed 0.01561 and 0.01632; 1000 Genomes Project 30x 0.01562.
gnomAD v4.1: 5,440 of 1,614,174 alleles (0.34%); highest among the groups gnomAD compares: African/African-American, 4.6%; 84 homozygotes.

Submission:

PreventionGenetics, part of Exact Sciences
Classification: Benign for TSHZ1-related condition. Last evaluated: 2019-07-12. Review status: no assertion criteria provided. Collection method: clinical testing. Allele origin: germline.
Comment: This variant is classified as benign based on ACMG/AMP sequence variant interpretation guidelines (Richards et al. 2015 PMID: 25741868, with internal and published modifications).